The following is an entry in ClinVar:

NM_001376.5(DYNC1H1):c.8177+6A>G

Gene: DYNC1H1 (dynein cytoplasmic 1 heavy chain 1; plus strand). Cytogenetic location: 14q32.31.
Variant type: single nucleotide variant.
Coding change: c.8177+6A>G on transcript NM_001376.5 (MANE Select); 6 bases into the intron after coding-DNA position 8177, A replaced by G.
Molecular consequence: intron variant.
Genome position (GRCh38, 1-based): chr14:102,017,510, A>G. VCF-style: chr14-102017510-A-G. GRCh37 (hg19) VCF-style: chr14-102483847-A-G.
Identifiers: ClinVar variation 1018365 (VCV001018365.9), dbSNP rs190495300, ClinGen allele CA7352942.

ClinVar aggregate classification (germline): Conflicting classifications of pathogenicity. Review status: criteria provided, conflicting classifications (1 of 4 stars). 2 submissions from 2 submitters: Uncertain significance (1); Likely benign (1). Last evaluated 2024-09-05.

Conditions:
Inborn genetic diseases. Identifiers: MedGen C0950123, MeSH D030342.
Charcot-Marie-Tooth disease axonal type 2O. Also called: Charcot-Marie-Tooth Neuropathy Type 2O; Charcot-Marie-Tooth disease, axonal, type 20; CHARCOT-MARIE-TOOTH NEUROPATHY, AXONAL, TYPE 2O; CHARCOT-MARIE-TOOTH DISEASE, AXONAL, AUTOSOMAL DOMINANT, TYPE 2O. Identifiers: Orphanet 284232, MedGen C3280220, MONDO:0013644, OMIM 614228.

Allele frequency attached by ClinVar (database versions not stated): gnomAD 0.00001; gnomAD exomes 0.00001 and 0.00005; TOPMed 0.00002; ExAC 0.00005; 1000 Genomes Project 30x 0.00016; 1000 Genomes Project 0.00020.
gnomAD v4.1: 14 of 1,613,840 alleles (0.00087%); highest among the groups gnomAD compares: East Asian, 0.027%; no homozygotes.

Submissions (2):

Labcorp Genetics (formerly Invitae), Labcorp
Classification: Uncertain significance for Charcot-Marie-Tooth disease axonal type 2O. Last evaluated: 2024-09-05. Review status: criteria provided, single submitter. Criteria: Invitae Variant Classification Sherloc (09022015). Collection method: clinical testing. Allele origin: germline.
Comment: This sequence change falls in intron 40 of the DYNC1H1 gene. It does not directly change the encoded amino acid sequence of the DYNC1H1 protein. It affects a nucleotide within the consensus splice site. This variant is present in population databases (rs190495300, gnomAD 0.06%). This variant has not been reported in the literature in individuals affected with DYNC1H1-related conditions. ClinVar contains an entry for this variant (Variation ID: 1018365). Variants that disrupt the consensus splice site are a relatively common cause of aberrant splicing (PMID: 17576681, 9536098). Algorithms developed to predict the effect of sequence changes on RNA splicing suggest that this variant is not likely to affect RNA splicing. In summary, the available evidence is currently insufficient to determine the role of this variant in disease. Therefore, it has been classified as a Variant of Uncertain Significance.

Ambry Genetics
Classification: Likely benign for Inborn genetic diseases. Last evaluated: 2020-11-04. Review status: criteria provided, single submitter. Criteria: Ambry Variant Classification Scheme 2023. Collection method: clinical testing. Allele origin: germline.

Literature cited by the submitters: PubMed 17576681 (cited by Labcorp Genetics (formerly Invitae), Labcorp); PubMed 9536098 (cited by Labcorp Genetics (formerly Invitae), Labcorp).